The following is an entry in ClinVar:

ClinVar aggregate classification (germline): Uncertain significance (1 of 4 stars; one submission).

Conditions:
Inborn genetic diseases. Identifiers: MedGen C0950123, MeSH D030342.

Submission:

Ambry Genetics
Classification: Uncertain significance for Inborn genetic diseases. Last evaluated: 2025-03-27. Review status: criteria provided, single submitter. Criteria: Ambry Variant Classification Scheme 2023. Collection method: clinical testing. Allele origin: germline.
Comment: The p.G478R variant (also known as c.1432G>C), located in coding exon 12 of the ASXL1 gene, results from a G to C substitution at nucleotide position 1432. The glycine at codon 478 is replaced by arginine, an amino acid with dissimilar properties. This amino acid position is conserved. In addition, this alteration is predicted to be tolerated by in silico analysis. Based on the available evidence, the clinical significance of this variant remains unclear.

NM_015338.6(ASXL1):c.1432G>C (p.Gly478Arg)

Gene: ASXL1 (ASXL transcriptional regulator 1; plus strand). Cytogenetic location: 20q11.21.
Variant type: single nucleotide variant.
Coding change: c.1432G>C on transcript NM_015338.6 (MANE Select); coding-DNA position 1432, G replaced by C.
Protein change: p.Gly478Arg; replaces glycine 478 with arginine.
Molecular consequence: missense variant.
Genome position (GRCh38, 1-based): chr20:32,433,630, G>C. VCF-style: chr20-32433630-G-C. GRCh37 (hg19) VCF-style: chr20-31021433-G-C.
Other names: c.1249G>C, p.Gly417Arg (NM_001363734.1); short protein forms G417R, G478R.
Identifiers: ClinVar variation 3955274 (VCV003955274.1).
Genomic context (GRCh38, chr20:32,433,630, plus strand): 5'-CCAGCAGGGCTGAGCAGTCCCCATCTGCCAGGCACATCCTCTGCAGCACCCGACCTGGAG[G>C]GTCCCGAATTCCCAGTTGAGTCTGTGGCTTCTCGGATCCAGGCTGAGCCAGACAACTTGG-3'
Protein context (NP_056153.2, residues 468-488): GTSSAAPDLE[Gly478Arg]PEFPVESVAS